The following is an entry in ClinVar:

NM_000489.6(ATRX):c.5923A>G (p.Asn1975Asp)

Gene: ATRX (ATRX chromatin remodeler; minus strand). Cytogenetic location: Xq21.1.
Variant type: single nucleotide variant.
Coding change: c.5923A>G on transcript NM_000489.6 (MANE Select); coding-DNA position 5923, A replaced by G.
Protein change: p.Asn1975Asp; replaces asparagine 1975 with aspartic acid.
Molecular consequence: missense variant.
Genome position (GRCh38, 1-based): chrX:77,599,444, T>C on the plus strand (A>G on the coding strand, the complement: ATRX is on the minus strand). VCF-style: chrX-77599444-T-C. GRCh37 (hg19) VCF-style: chrX-76854913-T-C.
Other names: c.5809A>G, p.Asn1937Asp (NM_138270.5); short protein forms N1937D, N1975D.
Identifiers: ClinVar variation 2768546 (VCV002768546.3), dbSNP rs2148141223, ClinGen allele CA413697557.
Genomic context (GRCh38, chrX:77,599,444, plus strand): 5'-GATAAAGGCAACATTCATTAGACTCACTTTCTTCCAGTTTTAAAGAAACAGAAGGATTGT[T>C]TCCTGTTTCATCCACATTTCCTTCACCACCTCCCCGAGATCTTGAATTCCAGACCTTAAT-3'
Protein context (NP_000480.3, residues 1965-1985): GGEGNVDETG[Asn1975Asp]NPSVSLKLEE

ClinVar aggregate classification (germline): Uncertain significance (1 of 4 stars; one submission).

Conditions:
Alpha thalassemia-X-linked intellectual disability syndrome (ATRX). Also called: ALPHA-THALASSEMIA/MENTAL RETARDATION SYNDROME, X-LINKED; ATR, NONDELETION TYPE; ATR-X syndrome; Alpha thalassemia mental retardation syndrome, nondeletion type, X-linked; XLMR hypotonic face syndrome; X-linked alpha-thalassemia-mental retardation syndrome. Identifiers: Orphanet 847, MedGen C1845055, MONDO:0010519, OMIM 301040.

Submission:

Labcorp Genetics (formerly Invitae), Labcorp
Classification: Uncertain significance for Alpha thalassemia-X-linked intellectual disability syndrome. Last evaluated: 2023-10-14. Review status: criteria provided, single submitter. Criteria: Invitae Variant Classification Sherloc (09022015). Collection method: clinical testing. Allele origin: germline.
Comment: This sequence change replaces asparagine, which is neutral and polar, with aspartic acid, which is acidic and polar, at codon 1975 of the ATRX protein (p.Asn1975Asp). This variant is not present in population databases (gnomAD no frequency). This variant has not been reported in the literature in individuals affected with ATRX-related conditions. Advanced modeling of protein sequence and biophysical properties (such as structural, functional, and spatial information, amino acid conservation, physicochemical variation, residue mobility, and thermodynamic stability) performed at Invitae indicates that this missense variant is not expected to disrupt ATRX protein function. In summary, the available evidence is currently insufficient to determine the role of this variant in disease. Therefore, it has been classified as a Variant of Uncertain Significance.